The following is an entry in ClinVar:

ClinVar aggregate classification (germline): Pathogenic/Likely pathogenic. Review status: criteria provided, multiple submitters, no conflicts (2 of 4 stars). 2 submissions from 2 submitters: Pathogenic (1); Likely pathogenic (1). Last evaluated 2023-08-04.

Conditions:
Osteogenesis imperfecta type I (OI1). Also called: Lobstein disease; OI, TYPE I; OSTEOGENESIS IMPERFECTA TARDA; OSTEOGENESIS IMPERFECTA WITH BLUE SCLERAE; Lobstein's Disease; Classic Non-deforming Osteogenesis Imperfecta with Blue Sclerae. Identifiers: Orphanet 216796, Orphanet 666, MedGen C0023931, MONDO:0008146, OMIM 166200. Disease mechanism: loss of function.

Submissions (2):

Labcorp Genetics (formerly Invitae), Labcorp
Classification: Pathogenic for Osteogenesis imperfecta type I. Last evaluated: 2023-08-04. Review status: criteria provided, single submitter. Criteria: Invitae Variant Classification Sherloc (09022015). Collection method: clinical testing. Allele origin: germline.
Comment: Experimental studies and prediction algorithms are not available or were not evaluated, and the functional significance of this variant is currently unknown. ClinVar contains an entry for this variant (Variation ID: 1452080). This variant is also known as Gly109Ser. This missense change has been observed in individual(s) with osteogenesis imperfecta (PMID: 17875077). This variant is not present in population databases (gnomAD no frequency). This sequence change replaces glycine, which is neutral and non-polar, with serine, which is neutral and polar, at codon 287 of the COL1A1 protein (p.Gly287Ser). This variant disrupts the triple helix domain of COL1A1. Glycine residues within the Gly-Xaa-Yaa repeats of the triple helix domain are required for the structure and stability of fibrillar collagens (PMID: 7695699, 8218237, 19344236). In COL1A1, variants affecting these glycine residues are significantly enriched in individuals with disease (PMID: 9016532, 17078022) compared to the general population (ExAC). For these reasons, this variant has been classified as Pathogenic.

Neuberg Centre For Genomic Medicine, NCGM
Classification: Likely pathogenic for Osteogenesis imperfecta type I. Last evaluated: 2023-03-01. Review status: criteria provided, single submitter. Criteria: ACMG Guidelines, 2015. Collection method: clinical testing. Allele origin: germline. Inheritance: Autosomal dominant inheritance. Affected: yes.
Comment: The missense / Splicesite variant c.859G>A(p.Gly287Ser) in COL1A1 gene has been reported in heterozygous state in an individual with osteogenesis imperfecta (Kataoka K, et al., 2007). This variant disrupts the triple helix domain of COL1A1. Glycine residues within the Gly-Xaa-Yaa repeats of the triple helix domain are required for the structure and stability of fibrillar collagens (Shoulders MD, Raines RT, 2009). In COL1A1, variants affecting these glycine residues are significantly enriched in individuals with disease (Marini JC, et al., 2007) This variant is novel (not in any individuals) in gnomAD Exomes and 1000 Genomes. This variant has been reported to the ClinVar database as Pathogenic (single submission). The amino acid Glycine at position 287 is changed to a Serine changing protein sequence and it might alter its composition and physico-chemical properties.The variant is predicted to be damaging by SIFT. The amino acid change p.Gly287Ser in COL1A1 is predicted as conserved by GERP++ and PhyloP across 100 vertebrates.For these reasons, this variant has been classified as Likely Pathogenic.

Literature cited by the submitters: PubMed 17875077 (cited by Labcorp Genetics (formerly Invitae), Labcorp); PubMed 7695699 (cited by Labcorp Genetics (formerly Invitae), Labcorp); PubMed 8218237 (cited by Labcorp Genetics (formerly Invitae), Labcorp); PubMed 19344236 (cited by Labcorp Genetics (formerly Invitae), Labcorp); PubMed 9016532 (cited by Labcorp Genetics (formerly Invitae), Labcorp); PubMed 17078022 (cited by Labcorp Genetics (formerly Invitae), Labcorp).

NM_000088.4(COL1A1):c.859G>A (p.Gly287Ser)

Genes: COL1A1 (collagen type I alpha 1 chain; minus strand), LOC126862586 (CDK7 strongly-dependent group 2 enhancer GRCh37_chr17:48273702-48274901; plus strand). Cytogenetic location: 17q21.33.
Variant type: single nucleotide variant.
Coding change: c.859G>A on transcript NM_000088.4 (MANE Select); coding-DNA position 859, G replaced by A.
Protein change: p.Gly287Ser; replaces glycine 287 with serine.
Molecular consequence: missense variant.
Genome position (GRCh38, 1-based): chr17:50,196,528, C>T on the plus strand (G>A on the coding strand, the complement: COL1A1 is on the minus strand). VCF-style: chr17-50196528-C-T. GRCh37 (hg19) VCF-style: chr17-48273889-C-T.
Other names: short protein forms G287S.
Identifiers: ClinVar variation 1452080 (VCV001452080.7), dbSNP rs72645340, ClinGen allele CA291547322.